The following is an entry in ClinVar:

ClinVar aggregate classification (germline): Uncertain significance (1 of 4 stars; one submission).

Submission:

Women's Health and Genetics/Laboratory Corporation of America, LabCorp
Classification: Uncertain significance. Last evaluated: 2025-11-26. Review status: criteria provided, single submitter. Criteria: LabCorp Variant Classification Summary - May 2015. Collection method: clinical testing. Allele origin: germline.
Comment: Variant summary: PTCHD1 c.280G>A (p.Gly94Ser) results in a non-conservative amino acid change in the encoded protein sequence. Algorithms developed to predict the effect of missense changes on protein structure and function all suggest that this variant is likely to be disruptive. The variant was absent in 182728 control chromosomes. The available data on variant occurrences in the general population are insufficient to allow any conclusion about variant significance. To our knowledge, no occurrence of c.280G>A in individuals affected with PTCHD1-related conditions and no experimental evidence demonstrating its impact on protein function have been reported. No submitters have cited clinical-significance assessments for this variant to ClinVar. Based on the evidence outlined above, the variant was classified as uncertain significance.

NM_173495.3(PTCHD1):c.280G>A (p.Gly94Ser)

Gene: PTCHD1 (patched domain containing 1; plus strand). Cytogenetic location: Xp22.11.
Variant type: single nucleotide variant.
Coding change: c.280G>A on transcript NM_173495.3 (MANE Select); coding-DNA position 280, G replaced by A.
Protein change: p.Gly94Ser; replaces glycine 94 with serine.
Molecular consequence: missense variant.
Genome position (GRCh38, 1-based): chrX:23,335,155, G>A. VCF-style: chrX-23335155-G-A. GRCh37 (hg19) VCF-style: chrX-23353272-G-A.
Other names: short protein forms G94S.
Identifiers: ClinVar variation 4537173 (VCV004537173.1).